The following is an entry in ClinVar:

NM_000059.4(BRCA2):c.6388T>A (p.Phe2130Ile)

Gene: BRCA2 (BRCA2 DNA repair associated; plus strand). Cytogenetic location: 13q13.1.
Variant type: single nucleotide variant.
Coding change: c.6388T>A on transcript NM_000059.4 (MANE Select); coding-DNA position 6388, T replaced by A.
Protein change: p.Phe2130Ile; replaces phenylalanine 2130 with isoleucine.
Molecular consequence: missense variant.
Genome position (GRCh38, 1-based): chr13:32,340,743, T>A. VCF-style: chr13-32340743-T-A. GRCh37 (hg19) VCF-style: chr13-32914880-T-A.
Other names: c.6388T>A, p.Phe2130Ile (NM_001406719.1, NM_001406720.1); short protein forms F2130I.
Identifiers: ClinVar variation 1753203 (VCV001753203.4), dbSNP rs929941099, ClinGen allele CA387789206.
Genomic context (GRCh38, chr13:32,340,743, plus strand): 5'-GATAAGAGAAACCCAGAGCACTGTGTAAACTCAGAAATGGAAAAAACCTGCAGTAAAGAA[T>A]TTAAATTATCAAATAACTTAAATGTTGAAGGTGGTTCTTCAGAAAATAATCACTCTATTA-3'
Protein context (NP_000050.3, residues 2120-2140): SEMEKTCSKE[Phe2130Ile]KLSNNLNVEG

ClinVar aggregate classification (germline): Conflicting classifications of pathogenicity. Review status: criteria provided, conflicting classifications (1 of 4 stars). 2 submissions from 2 submitters: Uncertain significance (1); Likely benign (1). Last evaluated 2023-03-23.

Conditions:
Hereditary cancer-predisposing syndrome. Also called: Neoplastic Syndromes, Hereditary; Tumor predisposition; Hereditary Cancer Syndrome; Hereditary neoplastic syndrome. Identifiers: Orphanet 140162, MedGen C0027672, MeSH D009386, MONDO:0015356.

Submissions (2):

University of Washington Department of Laboratory Medicine, University of Washington
Classification: Likely benign for Hereditary cancer-predisposing syndrome. Last evaluated: 2023-03-23. Review status: criteria provided, single submitter. Criteria: Dines et al. (Genet Med. 2020). Collection method: curation. Allele origin: germline.
Comment: Missense variant in a coldspot region where missense variants are very unlikely to be pathogenic (PMID:31911673).

BRCA2 exon 11 coldspot. Reclassification based on statistical prior probability.

Ambry Genetics
Classification: Uncertain significance for Hereditary cancer-predisposing syndrome. Last evaluated: 2021-12-12. Review status: criteria provided, single submitter. Criteria: Ambry Variant Classification Scheme 2023. Collection method: clinical testing. Allele origin: germline.
Comment: The p.F2130I variant (also known as c.6388T>A), located in coding exon 10 of the BRCA2 gene, results from a T to A substitution at nucleotide position 6388. The phenylalanine at codon 2130 is replaced by isoleucine, an amino acid with highly similar properties. This amino acid position is conserved. In addition, this alteration is predicted to be tolerated by in silico analysis. Since supporting evidence is limited at this time, the clinical significance of this alteration remains unclear.